The following is an entry in ClinVar:

NM_000092.5(COL4A4):c.680G>A (p.Arg227His)

Gene: COL4A4 (collagen type IV alpha 4 chain; minus strand). Cytogenetic location: 2q36.3.
Variant type: single nucleotide variant.
Coding change: c.680G>A on transcript NM_000092.5 (MANE Select); coding-DNA position 680, G replaced by A.
Protein change: p.Arg227His; replaces arginine 227 with histidine.
Molecular consequence: missense variant.
Genome position (GRCh38, 1-based): chr2:227,108,846, C>T on the plus strand (G>A on the coding strand, the complement: COL4A4 is on the minus strand). VCF-style: chr2-227108846-C-T. GRCh37 (hg19) VCF-style: chr2-227973562-C-T.
Other names: short protein forms R227H.
Identifiers: ClinVar variation 447194 (VCV000447194.21), dbSNP rs368248078, ClinGen allele CA2145498.
Genomic context (GRCh38, chr2:227,108,846, plus strand): 5'-TTCATTGTTCAGGGCTCTATTGATGTATCTTGCTCATGACTGCCTACCTTCAAACCTGGA[C>T]GCCCTGGTTGGCCCGGAGGTCCCTAAATCAAGGGAGAAAAAAACACAAATCAATCATCAG-3'
Protein context (NP_000083.3, residues 217-237): GLVGPPGQPG[Arg227His]PGLKGNPGVG

ClinVar aggregate classification (germline): Conflicting classifications of pathogenicity. Review status: criteria provided, conflicting classifications (1 of 4 stars). 10 submissions from 10 submitters: Uncertain significance (6); Likely benign (1). 3 of the submissions do not count toward it. Last evaluated 2026-02-24.

Conditions:
COL4A4-related disorder.
Alport syndrome. Also called: Hemorrhagic familial nephritis; Hemorrhagic hereditary nephritis; Congenital hereditary hematuria. Identifiers: Orphanet 63, MedGen C1567741, MONDO:0018965.
Autosomal recessive Alport syndrome (ATS2). Also called: Alport syndrome type 2; COL4A4 Alport Syndrome and Thin Basement Membrane Nephropathy; ALPORT SYNDROME 2, AUTOSOMAL RECESSIVE; COL4A3-Related Nephropathy. Identifiers: Orphanet 63, Orphanet 88919, MedGen C4746745, MONDO:0008762, OMIM 203780.

Allele frequency attached by ClinVar (database versions not stated): TOPMed 0.00007; ExAC 0.00009; ESP Exome Variant Server 0.00025.
gnomAD v4.1: 110 of 1,611,838 alleles (0.0068%); highest among the groups gnomAD compares: Middle Eastern, 0.049%; no homozygotes.

Submissions (10):

PreventionGenetics, part of Exact Sciences
Classification: Uncertain significance for COL4A4-related condition. Last evaluated: 2026-02-24. Review status: criteria provided, single submitter. Criteria: ACMG Guidelines, 2015. Collection method: clinical testing. Allele origin: germline.
Comment: The COL4A4 c.680G>A variant is predicted to result in the amino acid substitution p.Arg227His. This variant was reported with a second COL4A4 variant in an individual with Alport syndrome (Supp. Table 1. Uliana et al. 2021. PubMed ID: 33369211; Zacchia et al. 2021. PubMed ID: 33964006). This variant is reported in 0.017% of alleles in individuals of South Asian descent in gnomAD. At this time, the clinical significance of this variant is uncertain due to the absence of conclusive functional and genetic evidence.

GeneDx
Classification: Uncertain significance. Last evaluated: 2026-01-27. Review status: criteria provided, single submitter. Criteria: GeneDx Variant Classification Process June 2021. Collection method: clinical testing. Allele origin: germline.
Comment: Identified in a patient with hearing loss and microhematuria in published literature (PMID: 33369211); In silico analysis suggests that this missense variant does not alter protein structure/function; Occurs in the triple helical domain at the Y position in the canonical Gly-X-Y repeat; although this variant may have an effect on normal protein folding and function, missense substitution at the Y position is not a common mechanism of disease; This variant is associated with the following publications: (PMID: 33964006, 33369211)

Labcorp Genetics (formerly Invitae), Labcorp
Classification: Likely benign. Last evaluated: 2025-07-06. Review status: criteria provided, single submitter. Criteria: Invitae Variant Classification Sherloc (09022015). Collection method: clinical testing. Allele origin: germline.

Blueprint Genetics
Classification: Uncertain significance. Last evaluated: 2024-08-20. Review status: criteria provided, single submitter. Criteria: ACMG Guidelines, 2015. Collection method: clinical testing. Allele origin: germline.

Medical Genetics, University of Parma
Classification: Uncertain significance for Autosomal recessive Alport syndrome. Last evaluated: 2020-03-11. Review status: criteria provided, single submitter. Criteria: ACMG Guidelines, 2015. Collection method: clinical testing. Allele origin: germline. Affected: yes.

Athena Diagnostics
Classification: Uncertain significance. Last evaluated: 2018-04-26. Review status: criteria provided, single submitter. Criteria: Athena Diagnostics Criteria. Collection method: clinical testing. Allele origin: germline.

Illumina Laboratory Services, Illumina
Classification: Uncertain significance for Alport syndrome. Last evaluated: 2018-01-13. Review status: criteria provided, single submitter. Criteria: ICSL Variant Classification Criteria 13 December 2019. Collection method: clinical testing. Allele origin: germline.

Natera, Inc.
Classification: Uncertain significance for Alport syndrome. Last evaluated: 2019-10-28. Review status: no assertion criteria provided. Collection method: clinical testing. Allele origin: germline. Not counted in ClinVar's aggregate classification.

Clinical Genetics DNA and cytogenetics Diagnostics Lab, Erasmus MC, Erasmus Medical Center
Classification: Uncertain significance. Review status: no assertion criteria provided. Collection method: clinical testing. Allele origin: germline. Affected: yes. Study: VKGL Data-share Consensus. Not counted in ClinVar's aggregate classification.

Joint Genome Diagnostic Labs from Nijmegen and Maastricht, Radboudumc and MUMC+
Classification: Uncertain significance. Review status: no assertion criteria provided. Collection method: clinical testing. Allele origin: germline. Affected: yes. Study: VKGL Data-share Consensus. Not counted in ClinVar's aggregate classification.